The following is an entry in ClinVar:

ClinVar aggregate classification (germline): Likely benign. Review status: criteria provided, multiple submitters, no conflicts (2 of 4 stars). 3 submissions from 3 submitters: Likely benign (3). Last evaluated 2026-01-03.

Allele frequency attached by ClinVar (database versions not stated): gnomAD 0.00001; gnomAD exomes 0.00002 and 0.00004; TOPMed 0.00002; ExAC 0.00003; 1000 Genomes Project 0.00020; 1000 Genomes Project 30x 0.00031.
gnomAD v4.1: 38 of 1,595,382 alleles (0.0024%); highest among the groups gnomAD compares: Middle Eastern, 0.017%; no homozygotes.

Submissions (3):

Labcorp Genetics (formerly Invitae), Labcorp
Classification: Likely benign. Last evaluated: 2026-01-03. Review status: criteria provided, single submitter. Criteria: Invitae Variant Classification Sherloc (09022015). Collection method: clinical testing. Allele origin: germline.

Blueprint Genetics
Classification: Likely benign. Last evaluated: 2024-09-12. Review status: criteria provided, single submitter. Criteria: ACMG Guidelines, 2015. Collection method: clinical testing. Allele origin: germline.

GeneDx
Classification: Likely benign. Last evaluated: 2016-10-27. Review status: criteria provided, single submitter. Criteria: GeneDx Variant Classification (06012015). Collection method: clinical testing. Allele origin: germline. Affected: yes.
Comment: This variant is considered likely benign or benign based on one or more of the following criteria: it is a conservative change, it occurs at a poorly conserved position in the protein, it is predicted to be benign by multiple in silico algorithms, and/or has population frequency not consistent with disease.

NM_024996.7(GFM1):c.234+17G>A

Gene: GFM1 (G elongation factor mitochondrial 1; plus strand). Cytogenetic location: 3q25.32.
Variant type: single nucleotide variant.
Coding change: c.234+17G>A on transcript NM_024996.7 (MANE Select); 17 bases into the intron after coding-DNA position 234, G replaced by A.
Molecular consequence: intron variant.
Genome position (GRCh38, 1-based): chr3:158,645,798, G>A. VCF-style: chr3-158645798-G-A. GRCh37 (hg19) VCF-style: chr3-158363587-G-A.
Other names: c.234+17G>A (NM_001308164.2, NM_001374355.1, NM_001374356.1 and 2 more transcripts); c.9+17G>A (NM_001374357.1); c.5+17G>A (NM_001374359.1, NM_001374360.1, NM_001374361.1).
Identifiers: ClinVar variation 389611 (VCV000389611.7), dbSNP rs532180547, ClinGen allele CA2682259.